The following is an entry in ClinVar:

NM_001130009.3(GEN1):c.2423C>A (p.Pro808Gln)

Gene: GEN1 (GEN1 structure-specific endonuclease; plus strand). Cytogenetic location: 2p24.2.
Variant type: single nucleotide variant.
Coding change: c.2423C>A on transcript NM_001130009.3 (MANE Select); coding-DNA position 2423, C replaced by A.
Protein change: p.Pro808Gln; replaces proline 808 with glutamine.
Molecular consequence: missense variant.
Genome position (GRCh38, 1-based): chr2:17,781,635, C>A. VCF-style: chr2-17781635-C-A. GRCh37 (hg19) VCF-style: chr2-17962902-C-A.
Other names: c.2423C>A, p.Pro808Gln (NM_182625.5); short protein forms P808Q.
Identifiers: ClinVar variation 4844987 (VCV004844987.1).
Genomic context (GRCh38, chr2:17,781,635, plus strand): 5'-AAATTTTAATGAAGAAGAGTGTTTGCCTTGACAGACATTCCTCTGATGAACAAAGTGCCC[C>A]AGTGTTTGGGAAAGCTAAGTACACAACTCAAAGAATGAAGCACAGTTCTCAAAAGCATAA-3'
Protein context (NP_001123481.3, residues 798-818): DRHSSDEQSA[Pro808Gln]VFGKAKYTTQ

ClinVar aggregate classification (germline): Uncertain significance (1 of 4 stars; one submission).

Submission:

Ambry Genetics
Classification: Uncertain significance. Last evaluated: 2026-02-21. Review status: criteria provided, single submitter. Criteria: Ambry Variant Classification Scheme 2023. Collection method: clinical testing. Allele origin: germline.
Comment: The p.P808Q variant (also known as c.2423C>A), located in coding exon 13 of the GEN1 gene, results from a C to A substitution at nucleotide position 2423. The proline at codon 808 is replaced by glutamine, an amino acid with similar properties. This amino acid position is conserved. In addition, this alteration is predicted to be tolerated by in silico analysis. Based on the available evidence, the clinical significance of this variant remains unclear.